The following is an entry in ClinVar:

NM_000291.4(PGK1):c.326C>A (p.Ala109Asp)

Gene: PGK1 (phosphoglycerate kinase 1; plus strand). Cytogenetic location: Xq21.1.
Variant type: single nucleotide variant.
Coding change: c.326C>A on transcript NM_000291.4 (MANE Select); coding-DNA position 326, C replaced by A.
Protein change: p.Ala109Asp; replaces alanine 109 with aspartic acid.
Molecular consequence: missense variant.
Genome position (GRCh38, 1-based): chrX:78,114,069, C>A. VCF-style: chrX-78114069-C-A. GRCh37 (hg19) VCF-style: chrX-77369566-C-A.
Other names: short protein forms A109D.
Identifiers: ClinVar variation 2906007 (VCV002906007.5), dbSNP rs1161966279, ClinGen allele CA413719706.

ClinVar aggregate classification (germline): Uncertain significance. Review status: criteria provided, multiple submitters, no conflicts (2 of 4 stars). 4 submissions from 4 submitters: Uncertain significance (4). Last evaluated 2025-12-29.

Conditions:
Glycogen storage disease due to phosphoglycerate kinase 1 deficiency. Also called: PHOSPHOGLYCERATE KINASE 1 DEFICIENCY WITH LEVO-DOPA-RESPONSIVE PARKINSONISM; PGK1 DEFICIENCY. Identifiers: Orphanet 713, MedGen C1970848, MONDO:0010392, OMIM 300653.
Inborn genetic diseases. Identifiers: MedGen C0950123, MeSH D030342.

Allele frequency attached by ClinVar (database versions not stated): gnomAD 0.00005; TOPMed 0.00006.
gnomAD v4.1: 9 of 1,207,482 alleles (0.00075%); highest among the groups gnomAD compares: Middle Eastern, 0.023%; no homozygotes.

Submissions (4):

Labcorp Genetics (formerly Invitae), Labcorp
Classification: Uncertain significance. Last evaluated: 2025-12-29. Review status: criteria provided, single submitter. Criteria: Invitae Variant Classification Sherloc (09022015). Collection method: clinical testing. Allele origin: germline.
Comment: This sequence change replaces alanine, which is neutral and non-polar, with aspartic acid, which is acidic and polar, at codon 109 of the PGK1 protein (p.Ala109Asp). This variant is not present in population databases (gnomAD no frequency). This variant has not been reported in the literature in individuals affected with PGK1-related conditions. ClinVar contains an entry for this variant (Variation ID: 2906007). Invitae Evidence Modeling of protein sequence and biophysical properties (such as structural, functional, and spatial information, amino acid conservation, physicochemical variation, residue mobility, and thermodynamic stability) indicates that this missense variant is not expected to disrupt PGK1 protein function with a negative predictive value of 80%. In summary, the available evidence is currently insufficient to determine the role of this variant in disease. Therefore, it has been classified as a Variant of Uncertain Significance.

ARUP Laboratories, Molecular Genetics and Genomics, ARUP Laboratories
Classification: Uncertain significance for Glycogen storage disease due to phosphoglycerate kinase 1 deficiency. Last evaluated: 2025-03-06. Review status: criteria provided, single submitter. Criteria: ARUP Molecular Germline Variant Investigation Process 2024. Collection method: clinical testing. Allele origin: germline.
Comment: The PGK1 c.326C>A; p.Ala109Asp variant (rs1161966279), to our knowledge, is not reported in the medical literature but is reported in ClinVar (Variation ID: 2906007). This variant is also absent from the Genome Aggregation Database (v2.1.1), indicating it is not a common polymorphism. Computational analyses predict that this variant is deleterious (REVEL: 0.79). Due to limited information, the clinical significance of this variant is uncertain at this time.

Revvity Omics, Revvity
Classification: Uncertain significance for Glycogen storage disease due to phosphoglycerate kinase 1 deficiency. Last evaluated: 2024-06-05. Review status: criteria provided, single submitter. Criteria: ACMG Guidelines, 2015. Collection method: clinical testing. Allele origin: germline.

Ambry Genetics
Classification: Uncertain significance for Inborn genetic diseases. Last evaluated: 2023-11-03. Review status: criteria provided, single submitter. Criteria: Ambry Variant Classification Scheme 2023. Collection method: clinical testing. Allele origin: germline.